The following is an entry in ClinVar:

NM_004171.4(SLC1A2):c.1510A>C (p.Ile504Leu)

Gene: SLC1A2 (solute carrier family 1 member 2; minus strand). Cytogenetic location: 11p13.
Variant type: single nucleotide variant.
Coding change: c.1510A>C on transcript NM_004171.4 (MANE Select); coding-DNA position 1510, A replaced by C.
Protein change: p.Ile504Leu; replaces isoleucine 504 with leucine.
Molecular consequence: missense variant.
Genome position (GRCh38, 1-based): chr11:35,265,670, T>G on the plus strand (A>C on the coding strand, the complement: SLC1A2 is on the minus strand). VCF-style: chr11-35265670-T-G. GRCh37 (hg19) VCF-style: chr11-35287217-T-G.
Other names: c.1483A>C, p.Ile495Leu (NM_001195728.3, NM_001252652.2); short protein forms I495L, I504L.
Identifiers: ClinVar variation 3663985 (VCV003663985.3).

ClinVar aggregate classification (germline): Uncertain significance. Review status: criteria provided, multiple submitters, no conflicts (2 of 4 stars). 2 submissions from 2 submitters: Uncertain significance (2). Last evaluated 2026-06-22.

Submissions (2):

Women's Health and Genetics/Laboratory Corporation of America, LabCorp
Classification: Uncertain significance. Last evaluated: 2026-06-22. Review status: criteria provided, single submitter. Criteria: LabCorp Variant Classification Summary - May 2015. Collection method: clinical testing. Allele origin: germline.
Comment: Variant summary: SLC1A2 c.1510A>C (p.Ile504Leu) results in a conservative amino acid change in the encoded protein sequence. Algorithms developed to predict the effect of missense changes on protein structure and function are either unavailable or do not agree on the potential impact of this missense change. The variant was absent in 251458 control chromosomes. The available data on variant occurrences in the general population are insufficient to allow any conclusion about variant significance. To our knowledge, no occurrence of c.1510A>C in individuals affected with SLC1A2-related conditions and no experimental evidence demonstrating its impact on protein function have been reported. ClinVar contains an entry for this variant (Variation ID: 3663985). Based on the evidence outlined above, the variant was classified as uncertain significance.

Labcorp Genetics (formerly Invitae), Labcorp
Classification: Uncertain significance. Last evaluated: 2024-08-29. Review status: criteria provided, single submitter. Criteria: Invitae Variant Classification Sherloc (09022015). Collection method: clinical testing. Allele origin: germline.
Comment: This sequence change replaces isoleucine, which is neutral and non-polar, with leucine, which is neutral and non-polar, at codon 504 of the SLC1A2 protein (p.Ile504Leu). This variant is not present in population databases (gnomAD no frequency). This variant has not been reported in the literature in individuals affected with SLC1A2-related conditions. Invitae Evidence Modeling of protein sequence and biophysical properties (such as structural, functional, and spatial information, amino acid conservation, physicochemical variation, residue mobility, and thermodynamic stability) indicates that this missense variant is not expected to disrupt SLC1A2 protein function with a negative predictive value of 80%. In summary, the available evidence is currently insufficient to determine the role of this variant in disease. Therefore, it has been classified as a Variant of Uncertain Significance.